The following is an entry in ClinVar:

NM_000748.3(CHRNB2):c.1415T>C (p.Phe472Ser)

Gene: CHRNB2 (cholinergic receptor nicotinic beta 2 subunit; plus strand). Cytogenetic location: 1q21.3.
Variant type: single nucleotide variant.
Coding change: c.1415T>C on transcript NM_000748.3 (MANE Select); coding-DNA position 1415, T replaced by C.
Protein change: p.Phe472Ser; replaces phenylalanine 472 with serine.
Molecular consequence: missense variant.
Genome position (GRCh38, 1-based): chr1:154,575,838, T>C. VCF-style: chr1-154575838-T-C. GRCh37 (hg19) VCF-style: chr1-154548314-T-C.
Other names: short protein forms F472S.
Identifiers: ClinVar variation 936551 (VCV000936551.6), dbSNP rs200855905, ClinGen allele CA1130877.

ClinVar aggregate classification (germline): Uncertain significance (1 of 4 stars; one submission).

Conditions:
Familial sleep-related hypermotor epilepsy. Also called: Autosomal Dominant Sleep-Related Hypermotor (Hyperkinetic) Epilepsy. Identifiers: Orphanet 98784, MedGen C3696898, MONDO:0000030.

Allele frequency attached by ClinVar (database versions not stated): gnomAD 0.00001 and 0.00002; gnomAD exomes 0.00001 and 0.00003; TOPMed 0.00002; ExAC 0.00004; ESP Exome Variant Server 0.00008.
gnomAD v4.1: 19 of 1,614,050 alleles (0.0012%); highest among the groups gnomAD compares: Non-Finnish European, 0.0015%; no homozygotes.

Submission:

Labcorp Genetics (formerly Invitae), Labcorp
Classification: Uncertain significance. Last evaluated: 2025-10-16. Review status: criteria provided, single submitter. Criteria: Invitae Variant Classification Sherloc (09022015). Collection method: clinical testing. Allele origin: germline.
Comment: This sequence change replaces phenylalanine, which is neutral and non-polar, with serine, which is neutral and polar, at codon 472 of the CHRNB2 protein (p.Phe472Ser). This variant is present in population databases (rs200855905, gnomAD 0.009%). This variant has not been reported in the literature in individuals affected with CHRNB2-related conditions. ClinVar contains an entry for this variant (Variation ID: 936551). Invitae Evidence Modeling of protein sequence and biophysical properties (such as structural, functional, and spatial information, amino acid conservation, physicochemical variation, residue mobility, and thermodynamic stability) indicates that this missense variant is not expected to disrupt CHRNB2 protein function with a negative predictive value of 80%. In summary, the available evidence is currently insufficient to determine the role of this variant in disease. Therefore, it has been classified as a Variant of Uncertain Significance.